The following is an entry in ClinVar:

NM_138711.6(PPARG):c.452G>A (p.Arg151Gln)

Gene: PPARG (peroxisome proliferator activated receptor gamma; plus strand). Cytogenetic location: 3p25.2.
Variant type: single nucleotide variant.
Coding change: c.452G>A on transcript NM_138711.6 (MANE Select); coding-DNA position 452, G replaced by A.
Protein change: p.Arg151Gln; replaces arginine 151 with glutamine.
Molecular consequence: missense variant.
Genome position (GRCh38, 1-based): chr3:12,392,675, G>A. VCF-style: chr3-12392675-G-A. GRCh37 (hg19) VCF-style: chr3-12434174-G-A.
Other names: c.452G>A, p.Arg151Gln (NM_001330615.4, NM_001354666.3, NM_001354667.3 and 6 more transcripts); c.542G>A, p.Arg181Gln (NM_001354668.2, NM_001374265.1, NM_015869.5); c.25G>A, p.Gly9Arg (NM_001354669.2); c.458G>A, p.Arg153Gln (NM_001354670.2, NM_001374266.1); short protein forms G9R, R151Q, R153Q, R181Q.
Identifiers: ClinVar variation 1337344 (VCV001337344.10), dbSNP rs2050121670, ClinGen allele CA351618376.

ClinVar aggregate classification (germline): Uncertain significance. Review status: criteria provided, multiple submitters, no conflicts (2 of 4 stars). 3 submissions from 3 submitters: Uncertain significance (3). Last evaluated 2025-06-12.

Conditions:
PPARG-related disorder. Also called: PPARG-related condition; PPARG-related disorders.

Allele frequency attached by ClinVar (database versions not stated): gnomAD exomes 0.00001.
gnomAD v4.1: 8 of 1,613,602 alleles (0.0005%); highest among the groups gnomAD compares: South Asian, 0.0022%; no homozygotes.

Submissions (3):

PreventionGenetics, part of Exact Sciences
Classification: Uncertain significance for PPARG-related condition. Last evaluated: 2025-06-12. Review status: criteria provided, single submitter. Criteria: ACMG Guidelines, 2015. Collection method: clinical testing. Allele origin: germline.
Comment: The PPARG c.542G>A variant is predicted to result in the amino acid substitution p.Arg181Gln. To our knowledge, this variant has not been reported in the literature or in a large population database (gnomAD), indicating this variant is rare. Different missense variants affecting the same amino acid have been reported in individuals with obesity (p.Arg181Trp, also reported as R153W; Serra-Juhé et al. 2019. PubMed ID: 30926952; Dron et al. 2020. PubMed ID: 32041611) and dyslipidemia (p.Arg181Gly, described as p.Arg153Gly; Deshotels et al. 2022. PubMed ID: 36325899). However, additional evidence was not provided to support pathogenicity in these studies. At this time, the clinical significance of the c.542G>A (p.Arg181Gln) variant is uncertain due to the absence of conclusive functional and genetic evidence.

Labcorp Genetics (formerly Invitae), Labcorp
Classification: Uncertain significance. Last evaluated: 2022-10-14. Review status: criteria provided, single submitter. Criteria: Invitae Variant Classification Sherloc (09022015). Collection method: clinical testing. Allele origin: germline.
Comment: In summary, the available evidence is currently insufficient to determine the role of this variant in disease. Therefore, it has been classified as a Variant of Uncertain Significance. Advanced modeling of protein sequence and biophysical properties (such as structural, functional, and spatial information, amino acid conservation, physicochemical variation, residue mobility, and thermodynamic stability) performed at Invitae indicates that this missense variant is not expected to disrupt PPARG protein function. This sequence change replaces arginine, which is basic and polar, with glutamine, which is neutral and polar, at codon 181 of the PPARG protein (p.Arg181Gln). ClinVar contains an entry for this variant (Variation ID: 1337344). This variant has not been reported in the literature in individuals affected with PPARG-related conditions. This variant is not present in population databases (gnomAD no frequency).

Genetic Services Laboratory, University of Chicago
Classification: Uncertain significance. Last evaluated: 2019-08-29. Review status: criteria provided, single submitter. Criteria: ACMG Guidelines, 2015. Collection method: clinical testing. Allele origin: germline. Affected: no.